The following is an entry in ClinVar:

ClinVar aggregate classification (germline): Likely benign (1 of 4 stars; one submission).

Conditions:
MELAS syndrome (MELAS). Also called: Juvenile myopathy, encephalopathy, lactic acidosis, stroke. Identifiers: Orphanet 550, MedGen C0162671, MONDO:0010789, OMIM 540000.

Submission:

Wong Mito Lab, Molecular and Human Genetics, Baylor College of Medicine
Classification: Likely benign for MELAS syndrome. Last evaluated: 2019-07-12. Review status: criteria provided, single submitter. Criteria: Modified ACMG Guidelines (Unpublished). Collection method: clinical testing. Allele origin: germline.
Comment: The NC_012920.1:m.1617C>T variant in MT-TV gene is interpreted to be a Likely Benign variant based on the modified ACMG guidelines (unpublished). This variant meets the following evidence codes reported in the guidelines: BS4, BP4

Literature cited by the submitters: PubMed 31965079.

NC_012920.1(MT-TV):m.1617C>T

Gene: MT-TV (mitochondrially encoded tRNA valine; plus strand).
Variant type: single nucleotide variant.
Genome position: chrM-1617-C-T.
Identifiers: ClinVar variation 689835 (VCV000689835.1), dbSNP rs1603218583, ClinGen allele CA913163205.